The following is an entry in ClinVar:

NM_000298.6(PKLR):c.292T>A (p.Ser98Thr)

Gene: PKLR (pyruvate kinase L/R; minus strand). Cytogenetic location: 1q22.
Variant type: single nucleotide variant.
Coding change: c.292T>A on transcript NM_000298.6 (MANE Select); coding-DNA position 292, T replaced by A.
Protein change: p.Ser98Thr; replaces serine 98 with threonine.
Molecular consequence: missense variant.
Genome position (GRCh38, 1-based): chr1:155,295,748, A>T on the plus strand (T>A on the coding strand, the complement: PKLR is on the minus strand). VCF-style: chr1-155295748-A-T. GRCh37 (hg19) VCF-style: chr1-155265539-A-T.
Other names: c.199T>A, p.Ser67Thr (NM_181871.4); c.292T>A (NM_000298.5); short protein forms S67T, S98T.
Identifiers: ClinVar variation 1483217 (VCV001483217.7), dbSNP rs1302535902, ClinGen allele CA342756546.
Genomic context (GRCh38, chr1:155,295,748, plus strand): 5'-TGAGTCGCGCAATGTTCATCCCGGCCTTGATCATCTCCTTGAGGCGCTCCACGGAGCGAG[A>T]TGCTGGCCCTAGAACCAGAGATTCACGTTCAGACAACGTTCCCCCAGAACATGAGAGGCA-3'
Protein context (NP_000289.1, residues 88-108): TSIIATIGPA[Ser98Thr]RSVERLKEMI

ClinVar aggregate classification (germline): Uncertain significance. Review status: criteria provided, multiple submitters, no conflicts (2 of 4 stars). 4 submissions from 4 submitters: Uncertain significance (4). Last evaluated 2025-02-10.

Conditions:
Inborn genetic diseases. Identifiers: MedGen C0950123, MeSH D030342.

Allele frequency attached by ClinVar (database versions not stated): gnomAD exomes 0.00001 and below 0.00001; TOPMed 0.00001.

Submissions (4):

Ambry Genetics
Classification: Uncertain significance for Inborn genetic diseases. Last evaluated: 2025-02-10. Review status: criteria provided, single submitter. Criteria: Ambry Variant Classification Scheme 2023. Collection method: clinical testing. Allele origin: germline.

Revvity Omics, Revvity
Classification: Uncertain significance. Last evaluated: 2024-12-11. Review status: criteria provided, single submitter. Criteria: ACMG Guidelines, 2015. Collection method: clinical testing. Allele origin: germline.

ARUP Laboratories, Molecular Genetics and Genomics, ARUP Laboratories
Classification: Uncertain significance. Last evaluated: 2022-04-07. Review status: criteria provided, single submitter. Criteria: ARUP Molecular Germline Variant Investigation Process 2021. Collection method: clinical testing. Allele origin: germline.

Labcorp Genetics (formerly Invitae), Labcorp
Classification: Uncertain significance. Last evaluated: 2021-08-24. Review status: criteria provided, single submitter. Criteria: Invitae Variant Classification Sherloc (09022015). Collection method: clinical testing. Allele origin: germline.
Comment: This sequence change replaces serine with threonine at codon 98 of the PKLR protein (p.Ser98Thr). The serine residue is moderately conserved and there is a small physicochemical difference between serine and threonine. This variant is not present in population databases (ExAC no frequency). This variant has not been reported in the literature in individuals affected with PKLR-related conditions. Algorithms developed to predict the effect of missense changes on protein structure and function are either unavailable or do not agree on the potential impact of this missense change (SIFT: "Tolerated"; PolyPhen-2: "Probably Damaging"; Align-GVGD: "Class C0"). In summary, the available evidence is currently insufficient to determine the role of this variant in disease. Therefore, it has been classified as a Variant of Uncertain Significance.